The following is an entry in ClinVar:

ClinVar aggregate classification (germline): Uncertain significance (1 of 4 stars; one submission).

Conditions:
Baller-Gerold syndrome (BGS). Also called: CRANIOSYNOSTOSIS WITH RADIAL DEFECTS. Identifiers: Orphanet 1225, MedGen C0265308, MONDO:0009039, OMIM 218600.

Submission:

Labcorp Genetics (formerly Invitae), Labcorp
Classification: Uncertain significance for Baller-Gerold syndrome. Last evaluated: 2023-03-19. Review status: criteria provided, single submitter. Criteria: Invitae Variant Classification Sherloc (09022015). Collection method: clinical testing. Allele origin: germline.
Comment: In summary, the available evidence is currently insufficient to determine the role of this variant in disease. Therefore, it has been classified as a Variant of Uncertain Significance. Advanced modeling of protein sequence and biophysical properties (such as structural, functional, and spatial information, amino acid conservation, physicochemical variation, residue mobility, and thermodynamic stability) performed at Invitae indicates that this missense variant is not expected to disrupt RECQL4 protein function. This variant has not been reported in the literature in individuals affected with RECQL4-related conditions. This variant is not present in population databases (gnomAD no frequency). This sequence change replaces serine, which is neutral and polar, with cysteine, which is neutral and slightly polar, at codon 1097 of the RECQL4 protein (p.Ser1097Cys).

NM_004260.4(RECQL4):c.3289A>T (p.Ser1097Cys)

Gene: RECQL4 (RecQ like helicase 4; minus strand). Cytogenetic location: 8q24.3.
Variant type: single nucleotide variant.
Coding change: c.3289A>T on transcript NM_004260.4 (MANE Select); coding-DNA position 3289, A replaced by T.
Protein change: p.Ser1097Cys; replaces serine 1097 with cysteine.
Molecular consequence: missense variant. On other transcripts: non-coding transcript variant (3).
Genome position (GRCh38, 1-based): chr8:144,512,015, T>A on the plus strand (A>T on the coding strand, the complement: RECQL4 is on the minus strand). VCF-style: chr8-144512015-T-A. GRCh37 (hg19) VCF-style: chr8-145737398-T-A.
Other names: c.2995A>T, p.Ser999Cys (NM_001413017.1); c.3091A>T, p.Ser1031Cys (NM_001413018.1); c.3364A>T, p.Ser1122Cys (NM_001413019.1); c.3193A>T, p.Ser1065Cys (NM_001413020.1); c.2218A>T, p.Ser740Cys (NM_001413021.1, NM_001413022.1, NM_001413024.1 and 4 more transcripts); c.2293A>T, p.Ser765Cys (NM_001413023.1); c.3160A>T, p.Ser1054Cys (NM_001413025.1); c.2152A>T, p.Ser718Cys (NM_001413027.1, NM_001413030.1, NM_001413032.1); and 9 more; short protein forms S1053C, S1065C, S608C, S718C, S730C, S1054C, S1122C, S696C.
Identifiers: ClinVar variation 3014181 (VCV003014181.3), dbSNP rs759304160, ClinGen allele CA372668937.